The following is an entry in ClinVar:

ClinVar aggregate classification (germline): Uncertain significance (1 of 4 stars; one submission).

gnomAD v4.1: 1 of 1,612,788 alleles (0.000062%); no homozygotes.

Submission:

Dasa
Classification: Uncertain significance. Last evaluated: 2026-06-01. Review status: criteria provided, single submitter. Criteria: DASA Assertion Criteria. Collection method: clinical testing. Allele origin: germline.
Comment: NM_015015.3(KDM4B):c.1996A>G (p.Ser666Gly) is a missense variant that results in the substitution of serine with glycine. This variant is rare in population databases. Computational prediction algorithms are consistent with a benign effect. The currently available literature and clinical evidence are not sufficient to establish a definitive association between this variant and the reported condition. Therefore, this variant is classified as a variant of uncertain significance.

NM_015015.3(KDM4B):c.1996A>G (p.Ser666Gly)

Gene: KDM4B (lysine demethylase 4B; plus strand). Cytogenetic location: 19p13.3.
Variant type: single nucleotide variant.
Coding change: c.1996A>G on transcript NM_015015.3 (MANE Select); coding-DNA position 1996, A replaced by G.
Protein change: p.Ser666Gly; replaces serine 666 with glycine.
Molecular consequence: missense variant.
Genome position (GRCh38, 1-based): chr19:5,133,972, A>G. VCF-style: chr19-5133972-A-G. GRCh37 (hg19) VCF-style: chr19-5133983-A-G.
Other names: c.2098A>G, p.Ser700Gly (NM_001411148.1); short protein forms S666G, S700G.
Identifiers: ClinVar variation 5020451 (VCV005020451.1).
Genomic context (GRCh38, chr19:5,133,972, plus strand): 5'-GTGAGTGACCCGGACGCCTTGAGGCCGCTGCTGTCTCTGCAGTGGAAGAACAGGGCGGCC[A>G]GCTTCCAGGCCGAGAGGAAGTTCAACGCAGCGGCTGCGCGCACGGAGCCCTACTGCGCCA-3'
Protein context (NP_055830.1, residues 656-676): LSLQWKNRAA[Ser666Gly]FQAERKFNAA